The following is an entry in ClinVar:

ClinVar aggregate classification (germline): Pathogenic/Likely pathogenic. Review status: criteria provided, multiple submitters, no conflicts (2 of 4 stars). 5 submissions from 5 submitters: Pathogenic (1); Likely pathogenic (3). 1 of the submissions does not count toward it. Last evaluated 2023-08-30.

Conditions:
Hereditary ataxia. Also called: Hereditary Ataxias. Identifiers: Orphanet 183518, MedGen C0004138, MONDO:0100309, MONDO:0000557.
Charlevoix-Saguenay spastic ataxia (SACS). Also called: SPASTIC ATAXIA 6, AUTOSOMAL RECESSIVE; Spastic ataxia of Charlevoix-Saguenay; AUTOSOMAL RECESSIVE SPASTIC ATAXIA OF CHARLEVOIX-SAGUENAY. Identifiers: Orphanet 98, MedGen C1849140, MONDO:0010041, OMIM 270550.
SACS-related disorder. Also called: SACS-related condition.
Spastic paraplegia. Identifiers: MedGen C0037772, HP:0001258.

Allele frequency attached by ClinVar (database versions not stated): gnomAD exomes below 0.00001.

Submissions (5):

Labcorp Genetics (formerly Invitae), Labcorp
Classification: Pathogenic for Spastic paraplegia. Last evaluated: 2023-08-30. Review status: criteria provided, single submitter. Criteria: Invitae Variant Classification Sherloc (09022015). Collection method: clinical testing. Allele origin: germline.
Comment: For these reasons, this variant has been classified as Pathogenic. This variant disrupts a region of the SACS protein in which other variant(s) (p.Leu4303*, p.Tyr4428*) have been determined to be pathogenic (Invitae). This suggests that this is a clinically significant region of the protein, and that variants that disrupt it are likely to be disease-causing. ClinVar contains an entry for this variant (Variation ID: 554798). This variant has not been reported in the literature in individuals affected with SACS-related conditions. This variant is not present in population databases (gnomAD no frequency). This sequence change creates a premature translational stop signal (p.Leu1522Cysfs*14) in the SACS gene. While this is not anticipated to result in nonsense mediated decay, it is expected to disrupt the last 3058 amino acid(s) of the SACS protein.

Blueprint Genetics
Classification: Likely pathogenic for SACS-related disorders. Last evaluated: 2023-04-14. Review status: criteria provided, single submitter. Criteria: ACMG Guidelines, 2015. Collection method: clinical testing. Allele origin: germline. Affected: yes. Observed: 1 variant allele.

Genome-Nilou Lab
Classification: Likely pathogenic for Charlevoix-Saguenay spastic ataxia. Last evaluated: 2021-09-05. Review status: criteria provided, single submitter. Criteria: ACMG Guidelines, 2015. Collection method: clinical testing. Allele origin: germline. Affected: no.

Cambridge Genomics Laboratory, East Genomic Laboratory Hub, NHS Genomic Medicine Service
Classification: Likely pathogenic for Hereditary ataxia. Last evaluated: 2020-01-21. Review status: criteria provided, single submitter. Criteria: ACGS Best Practice Guidelines for Variant Classification in Rare Disease 2020. Collection method: clinical testing. Allele origin: germline. Affected: yes. Observed: 1 variant allele.

Counsyl
Classification: Likely pathogenic for Charlevoix-Saguenay spastic ataxia. Last evaluated: 2017-11-03. Review status: no assertion criteria provided. Collection method: clinical testing. Allele origin: unknown. Not counted in ClinVar's aggregate classification.

NM_014363.6(SACS):c.4565_4568del (p.Leu1522fs)

Gene: SACS (sacsin molecular chaperone; minus strand). Cytogenetic location: 13q12.12.
Variant type: Deletion.
Coding change: c.4565_4568del on transcript NM_014363.6 (MANE Select); coding-DNA positions 4565 to 4568, 4 bases deleted (TGTG; older notation c.4565_4568delTGTG).
Protein change: p.Leu1522fs; shifts the reading frame from leucine 1522.
Molecular consequence: frameshift variant.
Genome position (GRCh38, 1-based): chr13:23,339,308-23,339,311, CACA deleted on the plus strand (TGTG on the coding strand, the reverse complement: SACS is on the minus strand). VCF-style (leftmost placement, unchanged base first): chr13-23339307-CCACA-C. GRCh37 (hg19) VCF-style: chr13-23913446-CCACA-C.
Other names: c.4124_4127del, p.Leu1375fs (NM_001278055.2); short protein forms L1522fs, L1375fs.
Identifiers: ClinVar variation 554798 (VCV000554798.14), dbSNP rs1555252349, ClinGen allele CA658823461.